The following is an entry in ClinVar:

ClinVar aggregate classification (germline): Uncertain significance (1 of 4 stars; one submission).

Conditions:
ADCY1-related disorder. Also called: ADCY1-related condition.

Submission:

PreventionGenetics, part of Exact Sciences
Classification: Uncertain significance for ADCY1-related condition. Last evaluated: 2025-02-07. Review status: criteria provided, single submitter. Criteria: ACMG Guidelines, 2015. Collection method: clinical testing. Allele origin: germline.
Comment: The ADCY1 c.3265G>A variant is predicted to result in the amino acid substitution p.Val1089Met. To our knowledge, this variant has not been reported in the literature or in a large population database (gnomAD), indicating this variant is rare. At this time, the clinical significance of this variant is uncertain due to the absence of conclusive functional and genetic evidence.

NM_021116.4(ADCY1):c.3265G>A (p.Val1089Met)

Gene: ADCY1 (adenylate cyclase 1; plus strand). Cytogenetic location: 7p12.3.
Variant type: single nucleotide variant.
Coding change: c.3265G>A on transcript NM_021116.4 (MANE Select); coding-DNA position 3265, G replaced by A.
Protein change: p.Val1089Met; replaces valine 1089 with methionine.
Molecular consequence: missense variant.
Genome position (GRCh38, 1-based): chr7:45,713,900, G>A. VCF-style: chr7-45713900-G-A. GRCh37 (hg19) VCF-style: chr7-45753499-G-A.
Other names: short protein forms V1089M.
Identifiers: ClinVar variation 4986140 (VCV004986140.1).
Genomic context (GRCh38, chr7:45,713,900, plus strand): 5'-GGCTTGGATCGGAAAATGTGTCCATTTGGGAGAGCTGGCCTTCAGGGCAGACGTCCCCCC[G>A]TGTGCCCCATGCCTGGCGTCTCAGTCAGGGCTGGGCTCCCTCCACACTCCCCAGGCCAGT-3'
Protein context (NP_066939.1, residues 1079-1099): RAGLQGRRPP[Val1089Met]CPMPGVSVRA